The following is an entry in ClinVar:

ClinVar aggregate classification (germline): Uncertain significance. Review status: criteria provided, multiple submitters, no conflicts (2 of 4 stars). 2 submissions from 2 submitters: Uncertain significance (2). Last evaluated 2025-05-19.

Conditions:
Inborn genetic diseases. Identifiers: MedGen C0950123, MeSH D030342.

Allele frequency attached by ClinVar (database versions not stated): TOPMed below 0.00001; gnomAD 0.00001.
gnomAD v4.1: 5 of 1,613,456 alleles (0.00031%); highest among the groups gnomAD compares: Admixed American, 0.0033%; no homozygotes.

Submissions (2):

Ambry Genetics
Classification: Uncertain significance for Inborn genetic diseases. Last evaluated: 2025-05-19. Review status: criteria provided, single submitter. Criteria: Ambry Variant Classification Scheme 2023. Collection method: clinical testing. Allele origin: germline.

Labcorp Genetics (formerly Invitae), Labcorp
Classification: Uncertain significance. Last evaluated: 2022-06-13. Review status: criteria provided, single submitter. Criteria: Invitae Variant Classification Sherloc (09022015). Collection method: clinical testing. Allele origin: germline.
Comment: This sequence change replaces alanine, which is neutral and non-polar, with glycine, which is neutral and non-polar, at codon 396 of the C6 protein (p.Ala396Gly). This variant is present in population databases (no rsID available, gnomAD 0.003%). This variant has not been reported in the literature in individuals affected with C6-related conditions. Algorithms developed to predict the effect of missense changes on protein structure and function (SIFT, PolyPhen-2, Align-GVGD) all suggest that this variant is likely to be tolerated. In summary, the available evidence is currently insufficient to determine the role of this variant in disease. Therefore, it has been classified as a Variant of Uncertain Significance.

NM_000065.5(C6):c.1187C>G (p.Ala396Gly)

Gene: C6 (complement C6; minus strand). Cytogenetic location: 5p13.1.
Variant type: single nucleotide variant.
Coding change: c.1187C>G on transcript NM_000065.5 (MANE Select); coding-DNA position 1187, C replaced by G.
Protein change: p.Ala396Gly; replaces alanine 396 with glycine.
Molecular consequence: missense variant.
Genome position (GRCh38, 1-based): chr5:41,172,329, G>C on the plus strand (C>G on the coding strand, the complement: C6 is on the minus strand). VCF-style: chr5-41172329-G-C. GRCh37 (hg19) VCF-style: chr5-41172431-G-C.
Other names: c.1187C>G, p.Ala396Gly (NM_001115131.4); short protein forms A396G.
Identifiers: ClinVar variation 1924096 (VCV001924096.3), dbSNP rs941369223, ClinGen allele CA117768087.